The following is an entry in ClinVar:

ClinVar aggregate classification (germline): Uncertain significance (1 of 4 stars; one submission).

gnomAD v4.1: 7 of 1,592,398 alleles (0.00044%); highest among the groups gnomAD compares: South Asian, 0.0011%; no homozygotes.

Submission:

Labcorp Genetics (formerly Invitae), Labcorp
Classification: Uncertain significance. Last evaluated: 2024-10-01. Review status: criteria provided, single submitter. Criteria: Invitae Variant Classification Sherloc (09022015). Collection method: clinical testing. Allele origin: germline.
Comment: This sequence change falls in intron 16 of the PLCB4 gene. It does not directly change the encoded amino acid sequence of the PLCB4 protein. It affects a nucleotide within the consensus splice site. This variant is present in population databases (rs754857612, gnomAD no frequency). This variant has not been reported in the literature in individuals affected with PLCB4-related conditions. Variants that disrupt the consensus splice site are a relatively common cause of aberrant splicing (PMID: 17576681, 9536098). Algorithms developed to predict the effect of sequence changes on RNA splicing suggest that this variant is not likely to affect RNA splicing. In summary, the available evidence is currently insufficient to determine the role of this variant in disease. Therefore, it has been classified as a Variant of Uncertain Significance.

Literature cited by the submitters: PubMed 17576681; PubMed 9536098.

NM_001377142.1(PLCB4):c.1510+3G>A

Gene: PLCB4 (phospholipase C beta 4; plus strand). Cytogenetic location: 20p12.2.
Variant type: single nucleotide variant.
Coding change: c.1510+3G>A on transcript NM_001377142.1 (MANE Select); 3 bases into the intron after coding-DNA position 1510, G replaced by A.
Molecular consequence: intron variant.
Genome position (GRCh38, 1-based): chr20:9,395,621, G>A. VCF-style: chr20-9395621-G-A. GRCh37 (hg19) VCF-style: chr20-9376268-G-A.
Other names: c.1510+3G>A (NM_001377134.2, NM_000933.4, NM_182797.3 and 4 more transcripts).
Identifiers: ClinVar variation 3698547 (VCV003698547.2).